The following is an entry in ClinVar:

ClinVar aggregate classification (germline): Pathogenic. Review status: criteria provided, multiple submitters, no conflicts (2 of 4 stars). 3 submissions from 3 submitters: Pathogenic (3). Last evaluated 2024-03-06.

Conditions:
Multiple endocrine neoplasia, type 1 (MEN1). Also called: Endocrine adenomatosis multiple; MEN 1; MEA I; MEN I; WERMER SYNDROME. Identifiers: Orphanet 652, MedGen C0025267, MeSH D018761, MONDO:0007540, OMIM 131100.
Hereditary cancer-predisposing syndrome. Also called: Hereditary Cancer Syndrome; Tumor predisposition; Neoplastic Syndromes, Hereditary; Hereditary neoplastic syndrome. Identifiers: Orphanet 140162, MedGen C0027672, MeSH D009386, MONDO:0015356.

Submissions (3):

Ambry Genetics
Classification: Pathogenic for Hereditary cancer-predisposing syndrome. Last evaluated: 2024-03-06. Review status: criteria provided, single submitter. Criteria: Ambry Variant Classification Scheme 2023. Collection method: clinical testing. Allele origin: germline.
Comment: The c.1220_1221delCT pathogenic mutation, located in coding exon 8 of the MEN1 gene, results from a deletion of two nucleotides at nucleotide positions 1220 to 1221, causing a translational frameshift with a predicted alternate stop codon (p.P407Rfs*41). This alteration occurs at the 3' terminus of theMEN1 gene, is not expected to trigger nonsense-mediated mRNA decay, and impacts the last 204 amino acids of the protein. However, premature stop codons are typically deleterious in nature and a significant portion of the protein is affected and the impacted region is critical for protein function (Ambry internal data). This variant has been observed in at least one individual with a personal and/or family history that is consistent with multiple endocrine neoplasia type 1 (Ambry internal data). Based on the supporting evidence, this alteration is interpreted as a disease-causing mutation.

Labcorp Genetics (formerly Invitae), Labcorp
Classification: Pathogenic for Multiple endocrine neoplasia, type 1. Last evaluated: 2023-11-24. Review status: criteria provided, single submitter. Criteria: Invitae Variant Classification Sherloc (09022015). Collection method: clinical testing. Allele origin: germline.
Comment: This sequence change creates a premature translational stop signal (p.Pro407Argfs*41) in the MEN1 gene. While this is not anticipated to result in nonsense mediated decay, it is expected to disrupt the last 204 amino acid(s) of the MEN1 protein. This variant is not present in population databases (gnomAD no frequency). This variant has not been reported in the literature in individuals affected with MEN1-related conditions. ClinVar contains an entry for this variant (Variation ID: 651589). This variant disrupts a region of the MEN1 protein in which other variant(s) (p.Gln442*, p.Gln554*, p.Arg516Glyfs*43) have been determined to be pathogenic (PMID: 9215690, 9439676, 11578300, 17158764, 17853334). This suggests that this is a clinically significant region of the protein, and that variants that disrupt it are likely to be disease-causing. For these reasons, this variant has been classified as Pathogenic.

GeneDx
Classification: Pathogenic. Last evaluated: 2023-02-27. Review status: criteria provided, single submitter. Criteria: GeneDx Variant Classification Process June 2021. Collection method: clinical testing. Allele origin: germline. Affected: yes.
Comment: Frameshift variant predicted to result in protein truncation or nonsense mediated decay in a gene for which loss-of-function is a known mechanism of disease; Not observed in large population cohorts (gnomAD)

Literature cited by the submitters: PubMed 9215690 (cited by Labcorp Genetics (formerly Invitae), Labcorp); PubMed 9439676 (cited by Labcorp Genetics (formerly Invitae), Labcorp); PubMed 11578300 (cited by Labcorp Genetics (formerly Invitae), Labcorp); PubMed 17158764 (cited by Labcorp Genetics (formerly Invitae), Labcorp); PubMed 17853334 (cited by Labcorp Genetics (formerly Invitae), Labcorp).

NM_001370259.2(MEN1):c.1220_1221del (p.Pro407fs)

Gene: MEN1 (menin 1; minus strand). Cytogenetic location: 11q13.1.
Variant type: Deletion.
Coding change: c.1220_1221del on transcript NM_001370259.2 (MANE Select); coding-DNA positions 1220 to 1221, 2 bases deleted (CT; older notation c.1220_1221delCT).
Protein change: p.Pro407fs; shifts the reading frame from proline 407.
Molecular consequence: frameshift variant.
Genome position (GRCh38, 1-based): chr11:64,805,163-64,805,164, AG deleted on the plus strand (CT on the coding strand, the reverse complement: MEN1 is on the minus strand). VCF-style (leftmost placement, unchanged base first): chr11-64805162-CAG-C. GRCh37 (hg19) VCF-style: chr11-64572634-CAG-C.
Other names: c.1235_1236del, p.Pro412fs (NM_130804.3, NM_130800.3, NM_130801.3 and 3 more transcripts); c.1220_1221del, p.Pro407fs (NM_001370260.2, NM_001370261.2, NM_130799.3); c.1220_1221del (NM_130799.2); c.1220_1221delCT (NM_130799.2); c.1115_1116del, p.Pro372fs (NM_001370262.2, NM_001370263.2); c.1346_1347del, p.Pro449fs (NM_001370251.2); short protein forms P372fs, P407fs, P412fs, P449fs.
Identifiers: ClinVar variation 651589 (VCV000651589.8), dbSNP rs1592637440, ClinGen allele CA645574119.
Genomic context (GRCh38, chr11:64,805,162, plus strand): 5'-GACTGCCCTCCTCCCATTTGCAGATGCCGTCGTAGAATCGCAGCAGGTGGGCGAAGCACT[CAG>C]GGTCCTGGAGGGCGGAACCTTGGCTCTGGGTGCCCTGGACGAGGGGGAAGGGAGGGCACA-3'